The following is an entry in ClinVar:

ClinVar aggregate classification (germline): Uncertain significance (1 of 4 stars; one submission).

Allele frequency attached by ClinVar (database versions not stated): gnomAD exomes below 0.00001; gnomAD 0.00001; TOPMed 0.00001.
gnomAD v4.1: 4 of 1,613,412 alleles (0.00025%); highest among the groups gnomAD compares: East Asian, 0.0089%; no homozygotes.

Submission:

Labcorp Genetics (formerly Invitae), Labcorp
Classification: Uncertain significance. Last evaluated: 2025-08-09. Review status: criteria provided, single submitter. Criteria: Invitae Variant Classification Sherloc (09022015). Collection method: clinical testing. Allele origin: germline.
Comment: This sequence change creates a premature translational stop signal (p.Gly157*) in the TNNI3K gene. It is expected to result in an absent or disrupted protein product. However, the current clinical and genetic evidence is not sufficient to establish whether loss-of-function variants in TNNI3K cause disease. This variant is present in population databases (no rsID available, gnomAD 0.01%). This variant has not been reported in the literature in individuals affected with TNNI3K-related conditions. ClinVar contains an entry for this variant (Variation ID: 1951857). In summary, the available evidence is currently insufficient to determine the role of this variant in disease. Therefore, it has been classified as a Variant of Uncertain Significance.

NM_015978.3(TNNI3K):c.469G>T (p.Gly157Ter)

Genes: FPGT-TNNI3K (FPGT-TNNI3K readthrough; plus strand), TNNI3K (TNNI3 interacting kinase; plus strand). Cytogenetic location: 1p31.1.
Variant type: single nucleotide variant.
Coding change: c.469G>T on transcript NM_015978.3 (MANE Select); coding-DNA position 469, G replaced by T.
Protein change: p.Gly157Ter; replaces glycine 157 with a stop codon.
Molecular consequence: nonsense.
Genome position (GRCh38, 1-based): chr1:74,331,474, G>T. VCF-style: chr1-74331474-G-T. GRCh37 (hg19) VCF-style: chr1-74797158-G-T.
Other names: c.772G>T, p.Gly258Ter (NM_001112808.3, NM_001199327.2); short protein forms G157*, G258*.
Identifiers: ClinVar variation 1951857 (VCV001951857.5), dbSNP rs1294399224, ClinGen allele CA340779601.
Genomic context (GRCh38, chr1:74,331,474, plus strand): 5'-ACTGAAGTTCTTAACCATAATCATTTTCTTGTCCAGGCTGCTGATGTGCTGTTGCAACAT[G>T]GAGCTAATGTCAATATTCAAGATGCAGTTTTTTTCACTCCATTGCATATTGCAGCGTACT-3'